The following is an entry in ClinVar:

NM_001347721.2(DYRK1A):c.2088C>T (p.Tyr696=)

Gene: DYRK1A (dual specificity tyrosine phosphorylation regulated kinase 1A; plus strand). Cytogenetic location: 21q22.13.
Variant type: single nucleotide variant.
Coding change: c.2088C>T on transcript NM_001347721.2 (MANE Select); coding-DNA position 2088, C replaced by T.
Protein change: p.Tyr696=; no amino-acid change (tyrosine 696 retained).
Molecular consequence: synonymous variant. On other transcripts: 3 prime UTR variant (2).
Genome position (GRCh38, 1-based): chr21:37,512,354, C>T. VCF-style: chr21-37512354-C-T. GRCh37 (hg19) VCF-style: chr21-38884657-C-T.
Other names: c.2088C>T, p.Tyr696= (NM_001347722.2, NM_130436.2); c.2001C>T, p.Tyr667= (NM_001347723.2); c.2115C>T, p.Tyr705= (NM_001396.5); c.*491C>T (NM_101395.2); c.*400C>T (NM_130438.2).
Identifiers: ClinVar variation 507796 (VCV000507796.1), dbSNP rs1555995350, ClinGen allele CA512328212.

ClinVar aggregate classification (germline): Likely benign (1 of 4 stars; one submission).

Submission:

GeneDx
Classification: Likely benign. Last evaluated: 2017-03-03. Review status: criteria provided, single submitter. Criteria: GeneDx Variant Classification (06012015). Collection method: clinical testing. Allele origin: germline. Affected: yes.
Comment: This variant is considered likely benign or benign based on one or more of the following criteria: it is a conservative change, it occurs at a poorly conserved position in the protein, it is predicted to be benign by multiple in silico algorithms, and/or has population frequency not consistent with disease.